The following is an entry in ClinVar:

ClinVar aggregate classification (germline): Uncertain significance. Review status: criteria provided, multiple submitters, no conflicts (2 of 4 stars). 3 submissions from 3 submitters: Uncertain significance (3). Last evaluated 2025-06-16.

Conditions:
Mitochondrial complex I deficiency, nuclear type 1. Also called: NADH-COENZYME Q REDUCTASE DEFICIENCY; MITOCHONDRIAL NADH DEHYDROGENASE COMPONENT OF COMPLEX I, DEFICIENCY OF. Identifiers: MedGen C6022305, MONDO:0100224, OMIM 252010.

Allele frequency attached by ClinVar (database versions not stated): gnomAD 0.00005 and 0.00007; gnomAD exomes 0.00005 and 0.00010; TOPMed 0.00005; ExAC 0.00006.
gnomAD v4.1: 86 of 1,613,666 alleles (0.0053%); highest among the groups gnomAD compares: Middle Eastern, 0.05%; 1 homozygote.

Submissions (3):

Labcorp Genetics (formerly Invitae), Labcorp
Classification: Uncertain significance. Last evaluated: 2025-06-16. Review status: criteria provided, single submitter. Criteria: Invitae Variant Classification Sherloc (09022015). Collection method: clinical testing. Allele origin: germline.
Comment: This sequence change replaces serine, which is neutral and polar, with leucine, which is neutral and non-polar, at codon 163 of the NUBPL protein (p.Ser163Leu). This variant is present in population databases (rs781341998, gnomAD 0.02%). This missense change has been observed in individual(s) with mitochondrial complex I deficiency (PMID: 34988976). ClinVar contains an entry for this variant (Variation ID: 214879). Invitae Evidence Modeling of protein sequence and biophysical properties (such as structural, functional, and spatial information, amino acid conservation, physicochemical variation, residue mobility, and thermodynamic stability) indicates that this missense variant is expected to disrupt NUBPL protein function with a positive predictive value of 80%. In summary, the available evidence is currently insufficient to determine the role of this variant in disease. Therefore, it has been classified as a Variant of Uncertain Significance.

Blueprint Genetics
Classification: Uncertain significance. Last evaluated: 2024-10-02. Review status: criteria provided, single submitter. Criteria: ACMG Guidelines, 2015. Collection method: clinical testing. Allele origin: germline.

Illumina Laboratory Services, Illumina
Classification: Uncertain significance for Mitochondrial complex I deficiency, nuclear type 1. Last evaluated: 2018-01-12. Review status: criteria provided, single submitter. Criteria: ICSL Variant Classification Criteria 13 December 2019. Collection method: clinical testing. Allele origin: germline.

Literature cited by the submitters: PubMed 34988976 (cited by Labcorp Genetics (formerly Invitae), Labcorp).

NM_025152.3(NUBPL):c.488C>T (p.Ser163Leu)

Gene: NUBPL (NUBP iron-sulfur cluster assembly factor, mitochondrial; plus strand). Cytogenetic location: 14q12.
Variant type: single nucleotide variant.
Coding change: c.488C>T on transcript NM_025152.3 (MANE Select); coding-DNA position 488, C replaced by T.
Protein change: p.Ser163Leu; replaces serine 163 with leucine.
Molecular consequence: missense variant. On other transcripts: non-coding transcript variant (1).
Genome position (GRCh38, 1-based): chr14:31,673,549, C>T. VCF-style: chr14-31673549-C-T. GRCh37 (hg19) VCF-style: chr14-32142755-C-T.
Other names: c.200C>T, p.Ser67Leu (NM_001201573.2); short protein forms S163L, S67L.
Identifiers: ClinVar variation 214879 (VCV000214879.11), dbSNP rs781341998, ClinGen allele CA319756.